The following is an entry in ClinVar:

ClinVar aggregate classification (germline): Uncertain significance (1 of 4 stars; one submission).

Submission:

Labcorp Genetics (formerly Invitae), Labcorp
Classification: Uncertain significance. Last evaluated: 2024-03-07. Review status: criteria provided, single submitter. Criteria: Invitae Variant Classification Sherloc (09022015). Collection method: clinical testing. Allele origin: germline.
Comment: This sequence change affects an acceptor splice site in intron 7 of the PPP2R5D gene. It is expected to disrupt RNA splicing. Variants that disrupt the donor or acceptor splice site typically lead to a loss of protein function (PMID: 16199547), however the current clinical and genetic evidence is not sufficient to establish whether loss-of-function variants in PPP2R5D cause disease. This variant is not present in population databases (gnomAD no frequency). This variant has not been reported in the literature in individuals affected with PPP2R5D-related conditions. Algorithms developed to predict the effect of sequence changes on RNA splicing suggest that this variant may disrupt the consensus splice site. In summary, the available evidence is currently insufficient to determine the role of this variant in disease. Therefore, it has been classified as a Variant of Uncertain Significance.

Literature cited by the submitters: PubMed 16199547.

NM_006245.4(PPP2R5D):c.858-1G>C

Gene: PPP2R5D (protein phosphatase 2 regulatory subunit B'delta; plus strand). Cytogenetic location: 6p21.1.
Variant type: single nucleotide variant.
Coding change: c.858-1G>C on transcript NM_006245.4 (MANE Select); the canonical splice acceptor site of the intron before coding-DNA position 858, G replaced by C.
Molecular consequence: splice acceptor variant.
Genome position (GRCh38, 1-based): chr6:43,008,200, G>C. VCF-style: chr6-43008200-G-C. GRCh37 (hg19) VCF-style: chr6-42975938-G-C.
Other names: c.405-1G>C (NM_001270476.2); c.762-1G>C (NM_180976.3); c.540-1G>C (NM_180977.3).
Identifiers: ClinVar variation 3644867 (VCV003644867.2).